The following is an entry in ClinVar:

NM_001605.3(AARS1):c.2752G>A (p.Glu918Lys)

Gene: AARS1 (alanyl-tRNA synthetase 1; minus strand). Cytogenetic location: 16q22.1.
Variant type: single nucleotide variant.
Coding change: c.2752G>A on transcript NM_001605.3 (MANE Select); coding-DNA position 2752, G replaced by A.
Protein change: p.Glu918Lys; replaces glutamic acid 918 with lysine.
Molecular consequence: missense variant.
Genome position (GRCh38, 1-based): chr16:70,252,876, C>T on the plus strand (G>A on the coding strand, the complement: AARS1 is on the minus strand). VCF-style: chr16-70252876-C-T. GRCh37 (hg19) VCF-style: chr16-70286779-C-T.
Other names: short protein forms E918K.
Identifiers: ClinVar variation 1682086 (VCV001682086.6), dbSNP rs778342335, ClinGen allele CA8140272.

ClinVar aggregate classification (germline): Uncertain significance (1 of 4 stars; one submission).

Conditions:
Charcot-Marie-Tooth disease type 2. Also called: Charcot-Marie-Tooth type 2. Identifiers: Orphanet 64746, MedGen C0270914, MONDO:0018993.

Allele frequency attached by ClinVar (database versions not stated): ExAC 0.00001; TOPMed 0.00001; gnomAD exomes 0.00001 and 0.00002; gnomAD 0.00003.
gnomAD v4.1: 33 of 1,613,982 alleles (0.002%); highest among the groups gnomAD compares: African/African-American, 0.004%; no homozygotes.

Submission:

Labcorp Genetics (formerly Invitae), Labcorp
Classification: Uncertain significance for Charcot-Marie-Tooth disease type 2. Last evaluated: 2023-01-21. Review status: criteria provided, single submitter. Criteria: Invitae Variant Classification Sherloc (09022015). Collection method: clinical testing. Allele origin: germline.
Comment: In summary, the available evidence is currently insufficient to determine the role of this variant in disease. Therefore, it has been classified as a Variant of Uncertain Significance. Advanced modeling of protein sequence and biophysical properties (such as structural, functional, and spatial information, amino acid conservation, physicochemical variation, residue mobility, and thermodynamic stability) performed at Invitae indicates that this missense variant is not expected to disrupt AARS protein function. ClinVar contains an entry for this variant (Variation ID: 1682086). This variant has not been reported in the literature in individuals affected with AARS-related conditions. The frequency data for this variant in the population databases is considered unreliable, as metrics indicate poor data quality at this position in the gnomAD database. This sequence change replaces glutamic acid, which is acidic and polar, with lysine, which is basic and polar, at codon 918 of the AARS protein (p.Glu918Lys).